The following is an entry in ClinVar:

NM_004525.3(LRP2):c.11308C>A (p.Gln3770Lys)

Gene: LRP2 (LDL receptor related protein 2; minus strand). Cytogenetic location: 2q31.1.
Variant type: single nucleotide variant.
Coding change: c.11308C>A on transcript NM_004525.3 (MANE Select); coding-DNA position 11308, C replaced by A.
Protein change: p.Gln3770Lys; replaces glutamine 3770 with lysine.
Molecular consequence: missense variant.
Genome position (GRCh38, 1-based): chr2:169,170,623, G>T on the plus strand (C>A on the coding strand, the complement: LRP2 is on the minus strand). VCF-style: chr2-169170623-G-T. GRCh37 (hg19) VCF-style: chr2-170027133-G-T.
Other names: short protein forms Q3770K.
Identifiers: ClinVar variation 1359076 (VCV001359076.8), dbSNP rs1686961191, ClinGen allele CA349142274.

ClinVar aggregate classification (germline): Uncertain significance (1 of 4 stars; one submission).

Allele frequency attached by ClinVar (database versions not stated): gnomAD 0.00001; TOPMed 0.00001.
gnomAD v4.1: 2 of 1,614,048 alleles (0.00012%); highest among the groups gnomAD compares: African/African-American, 0.0027%; no homozygotes.

Submission:

Labcorp Genetics (formerly Invitae), Labcorp
Classification: Uncertain significance. Last evaluated: 2023-10-03. Review status: criteria provided, single submitter. Criteria: Invitae Variant Classification Sherloc (09022015). Collection method: clinical testing. Allele origin: germline.
Comment: This sequence change replaces glutamine, which is neutral and polar, with lysine, which is basic and polar, at codon 3770 of the LRP2 protein (p.Gln3770Lys). This variant is not present in population databases (gnomAD no frequency). This variant has not been reported in the literature in individuals affected with LRP2-related conditions. ClinVar contains an entry for this variant (Variation ID: 1359076). Advanced modeling of protein sequence and biophysical properties (such as structural, functional, and spatial information, amino acid conservation, physicochemical variation, residue mobility, and thermodynamic stability) performed at Invitae indicates that this missense variant is not expected to disrupt LRP2 protein function. In summary, the available evidence is currently insufficient to determine the role of this variant in disease. Therefore, it has been classified as a Variant of Uncertain Significance.